The following is an entry in ClinVar:

NM_000093.5(COL5A1):c.3006+5G>A

Gene: COL5A1 (collagen type V alpha 1 chain; plus strand). Cytogenetic location: 9q34.3.
Variant type: single nucleotide variant.
Coding change: c.3006+5G>A on transcript NM_000093.5 (MANE Select); 5 bases into the intron after coding-DNA position 3006, G replaced by A.
Molecular consequence: intron variant.
Genome position (GRCh38, 1-based): chr9:134,802,012, G>A. VCF-style: chr9-134802012-G-A. GRCh37 (hg19) VCF-style: chr9-137693858-G-A.
Other names: c.3006+5G>A (NM_001278074.1).
Identifiers: ClinVar variation 2413282 (VCV002413282.9), dbSNP rs2490785360, ClinGen allele CA2580080027.

ClinVar aggregate classification (germline): Uncertain significance (1 of 4 stars; one submission).

Conditions:
Ehlers-Danlos syndrome, classic type, 1 (EDSCL1). Also called: EDS I; EHLERS-DANLOS SYNDROME, GRAVIS TYPE; EHLERS-DANLOS SYNDROME, SEVERE CLASSIC TYPE; Ehlers-Danlos syndrome, type 1; Ehlers-Danlos Syndrome, Classic Type, COL5A1-Related. Identifiers: MedGen C0268335, MONDO:0019567, OMIM 130000.

Submission:

Labcorp Genetics (formerly Invitae), Labcorp
Classification: Uncertain significance for Ehlers-Danlos syndrome, classic type, 1. Last evaluated: 2022-04-21. Review status: criteria provided, single submitter. Criteria: Invitae Variant Classification Sherloc (09022015). Collection method: clinical testing. Allele origin: germline.
Comment: In summary, the available evidence is currently insufficient to determine the role of this variant in disease. Therefore, it has been classified as a Variant of Uncertain Significance. Variants that disrupt the consensus splice site are a relatively common cause of aberrant splicing (PMID: 17576681, 9536098). Algorithms developed to predict the effect of sequence changes on RNA splicing suggest that this variant may create or strengthen a splice site. This variant has not been reported in the literature in individuals affected with COL5A1-related conditions. This variant is not present in population databases (gnomAD no frequency). This sequence change falls in intron 38 of the COL5A1 gene. It does not directly change the encoded amino acid sequence of the COL5A1 protein. It affects a nucleotide within the consensus splice site.

Literature cited by the submitters: PubMed 17576681; PubMed 9536098.